The following is an entry in ClinVar:

NM_002095.6(GTF2E2):c.530A>G (p.Asn177Ser)

Gene: GTF2E2 (general transcription factor IIE subunit 2; minus strand). Cytogenetic location: 8p12.
Variant type: single nucleotide variant.
Coding change: c.530A>G on transcript NM_002095.6 (MANE Select); coding-DNA position 530, A replaced by G.
Protein change: p.Asn177Ser; replaces asparagine 177 with serine.
Molecular consequence: missense variant.
Genome position (GRCh38, 1-based): chr8:30,612,318, T>C on the plus strand (A>G on the coding strand, the complement: GTF2E2 is on the minus strand). VCF-style: chr8-30612318-T-C. GRCh37 (hg19) VCF-style: chr8-30469835-T-C.
Other names: c.530A>G, p.Asn177Ser (NM_001348353.1); short protein forms N177S.
Identifiers: ClinVar variation 1909576 (VCV001909576.5), dbSNP rs753435715, ClinGen allele CA4700958.

ClinVar aggregate classification (germline): Uncertain significance (1 of 4 stars; one submission).

Allele frequency attached by ClinVar (database versions not stated): gnomAD exomes below 0.00001; ExAC 0.00001; TOPMed 0.00001.
gnomAD v4.1: 4 of 1,608,098 alleles (0.00025%); highest among the groups gnomAD compares: Admixed American, 0.0017%; no homozygotes.

Submission:

Labcorp Genetics (formerly Invitae), Labcorp
Classification: Uncertain significance. Last evaluated: 2022-05-03. Review status: criteria provided, single submitter. Criteria: Invitae Variant Classification Sherloc (09022015). Collection method: clinical testing. Allele origin: germline.
Comment: In summary, the available evidence is currently insufficient to determine the role of this variant in disease. Therefore, it has been classified as a Variant of Uncertain Significance. Algorithms developed to predict the effect of missense changes on protein structure and function are either unavailable or do not agree on the potential impact of this missense change (SIFT: "Tolerated"; PolyPhen-2: "Possibly Damaging"; Align-GVGD: "Class C0"). This variant has not been reported in the literature in individuals affected with GTF2E2-related conditions. This variant is present in population databases (rs753435715, gnomAD 0.003%). This sequence change replaces asparagine, which is neutral and polar, with serine, which is neutral and polar, at codon 177 of the GTF2E2 protein (p.Asn177Ser).